The following is an entry in ClinVar:

ClinVar aggregate classification (germline): Conflicting classifications of pathogenicity. Review status: criteria provided, conflicting classifications (1 of 4 stars). 2 submissions from 2 submitters: Uncertain significance (1); Likely benign (1). Last evaluated 2024-11-04.

Conditions:
Hereditary cancer-predisposing syndrome. Also called: Hereditary Cancer Syndrome; Hereditary neoplastic syndrome; Neoplastic Syndromes, Hereditary; Tumor predisposition. Identifiers: Orphanet 140162, MedGen C0027672, MeSH D009386, MONDO:0015356.

Submissions (2):

Ambry Genetics
Classification: Uncertain significance for Hereditary cancer-predisposing syndrome. Last evaluated: 2024-11-04. Review status: criteria provided, single submitter. Criteria: Ambry Variant Classification Scheme 2023. Collection method: clinical testing. Allele origin: germline.
Comment: The p.T573A variant (also known as c.1717A>G) is located in coding exon 16 of the TSC2 gene. The threonine at codon 573 is replaced by alanine, an amino acid with similar properties. This change occurs in the first base pair of coding exon 16. This amino acid position is conserved. In addition, the in silico prediction for this alteration is inconclusive. Since supporting evidence is limited at this time, the clinical significance of this alteration remains unclear.

Blueprint Genetics
Classification: Likely benign. Last evaluated: 2018-09-17. Review status: criteria provided, single submitter. Criteria: ACMG Guidelines, 2015. Collection method: clinical testing. Allele origin: germline.

NM_000548.5(TSC2):c.1717A>G (p.Thr573Ala)

Gene: TSC2 (TSC complex subunit 2; plus strand). Cytogenetic location: 16p13.3.
Variant type: single nucleotide variant.
Coding change: c.1717A>G on transcript NM_000548.5 (MANE Select); coding-DNA position 1717, A replaced by G.
Protein change: p.Thr573Ala; replaces threonine 573 with alanine.
Molecular consequence: missense variant.
Genome position (GRCh38, 1-based): chr16:2,070,456, A>G. VCF-style: chr16-2070456-A-G. GRCh37 (hg19) VCF-style: chr16-2120457-A-G.
Other names: c.1717A>G, p.Thr573Ala (NM_001077183.3, NM_001114382.3, NM_001363528.2 and 6 more transcripts); c.1606A>G, p.Thr536Ala (NM_001318827.2, NM_001406670.1, NM_001406678.1); c.1570A>G, p.Thr524Ala (NM_001318829.2, NM_001406675.1, NM_001406676.1 and 1 more transcripts); c.1117A>G, p.Thr373Ala (NM_001318831.2, NM_001406680.1, NM_001406682.1 and 6 more transcripts); c.1750A>G, p.Thr584Ala (NM_001318832.2); c.1807A>G, p.Thr603Ala (NM_001406667.1, NM_001406668.1); c.1705A>G, p.Thr569Ala (NM_001406671.1, NM_001406673.1); c.1660A>G, p.Thr554Ala (NM_001406677.1); and 3 more; short protein forms T554A, T569A, T39A, T536A, T603A, T373A, T419A, T524A.
Identifiers: ClinVar variation 1778647 (VCV001778647.4), dbSNP rs748396290, ClinGen allele CA033116.